The following is an entry in ClinVar:

NM_000435.3(NOTCH3):c.3299G>A (p.Arg1100His)

Gene: NOTCH3 (notch receptor 3; minus strand). Cytogenetic location: 19p13.12.
Variant type: single nucleotide variant.
Coding change: c.3299G>A on transcript NM_000435.3 (MANE Select); coding-DNA position 3299, G replaced by A.
Protein change: p.Arg1100His; replaces arginine 1100 with histidine.
Molecular consequence: missense variant.
Genome position (GRCh38, 1-based): chr19:15,180,100, C>T on the plus strand (G>A on the coding strand, the complement: NOTCH3 is on the minus strand). VCF-style: chr19-15180100-C-T. GRCh37 (hg19) VCF-style: chr19-15290911-C-T.
Other names: short protein forms R1100H.
Identifiers: ClinVar variation 1157140 (VCV001157140.9), dbSNP rs189545202, ClinGen allele CA9263138.

ClinVar aggregate classification (germline): Benign/Likely benign. Review status: criteria provided, multiple submitters, no conflicts (2 of 4 stars). 4 submissions from 4 submitters: Benign (1); Likely benign (3). Last evaluated 2024-11-18.

Allele frequency attached by ClinVar (database versions not stated): ESP Exome Variant Server 0.00008; 1000 Genomes Project 30x 0.00016; ExAC 0.00016; gnomAD exomes 0.00016; 1000 Genomes Project 0.00020.
gnomAD v4.1: 160 of 1,611,930 alleles (0.0099%); highest among the groups gnomAD compares: East Asian, 0.14%; 2 homozygotes.

Submissions (4):

Blueprint Genetics
Classification: Likely benign. Last evaluated: 2024-11-18. Review status: criteria provided, single submitter. Criteria: ACMG Guidelines, 2015. Collection method: clinical testing. Allele origin: germline.

GeneDx
Classification: Benign. Last evaluated: 2021-06-29. Review status: criteria provided, single submitter. Criteria: GeneDx Variant Classification Process June 2021. Collection method: clinical testing. Allele origin: germline. Affected: yes.
Comment: This variant is associated with the following publications: (PMID: 31554780, 31217084, 29743074)

Labcorp Genetics (formerly Invitae), Labcorp
Classification: Likely benign. Last evaluated: 2020-08-03. Review status: criteria provided, single submitter. Criteria: Invitae Variant Classification Sherloc (09022015). Collection method: clinical testing. Allele origin: germline.

Breakthrough Genomics
Classification: Likely benign. Review status: criteria provided, single submitter. Criteria: ACMG Guidelines, 2015. Collection method: not provided. Allele origin: germline. Inheritance: Autosomal dominant inheritance. Affected: yes.